The following is an entry in ClinVar:

ClinVar aggregate classification (germline): Uncertain significance (1 of 4 stars; one submission).

Conditions:
Alstrom syndrome (ALMS). Identifiers: Orphanet 64, MedGen C0268425, MONDO:0008763, OMIM 203800.

Allele frequency attached by ClinVar (database versions not stated): ExAC 0.00002.
gnomAD v4.1: 1 of 1,607,850 alleles (0.000062%); highest among the groups gnomAD compares: Admixed American, 0.0017%; no homozygotes.

Submission:

Labcorp Genetics (formerly Invitae), Labcorp
Classification: Uncertain significance for Alstrom syndrome. Last evaluated: 2023-08-17. Review status: criteria provided, single submitter. Criteria: Invitae Variant Classification Sherloc (09022015). Collection method: clinical testing. Allele origin: germline.
Comment: This sequence change replaces valine, which is neutral and non-polar, with glycine, which is neutral and non-polar, at codon 1872 of the ALMS1 protein (p.Val1872Gly). This variant is present in population databases (rs774990100, gnomAD 0.006%). This variant has not been reported in the literature in individuals affected with ALMS1-related conditions. ClinVar contains an entry for this variant (Variation ID: 2054740). Experimental studies and prediction algorithms are not available or were not evaluated, and the functional significance of this variant is currently unknown. In summary, the available evidence is currently insufficient to determine the role of this variant in disease. Therefore, it has been classified as a Variant of Uncertain Significance.

NM_001378454.1(ALMS1):c.5612T>G (p.Val1871Gly)

Gene: ALMS1 (ALMS1 centrosome and basal body associated protein; plus strand). Cytogenetic location: 2p13.1.
Variant type: single nucleotide variant.
Coding change: c.5612T>G on transcript NM_001378454.1 (MANE Select); coding-DNA position 5612, T replaced by G.
Protein change: p.Val1871Gly; replaces valine 1871 with glycine.
Molecular consequence: missense variant.
Genome position (GRCh38, 1-based): chr2:73,452,139, T>G. VCF-style: chr2-73452139-T-G. GRCh37 (hg19) VCF-style: chr2-73679266-T-G.
Other names: c.5615T>G, p.Val1872Gly (NM_015120.4); short protein forms V1871G, V1872G.
Identifiers: ClinVar variation 2054740 (VCV002054740.4), dbSNP rs774990100, ClinGen allele CA1713914.